The following is an entry in ClinVar:

ClinVar aggregate classification (germline): Pathogenic/Likely pathogenic. Review status: criteria provided, multiple submitters, no conflicts (2 of 4 stars). 5 submissions from 5 submitters: Pathogenic (4); Likely pathogenic (1). Last evaluated 2025-11-21.

Conditions:
Neurofibromatosis, type 1 (NF1). Also called: Neurofibromatosis, type I; VON RECKLINGHAUSEN DISEASE; Peripheral type neurofibromatosis; NEUROFIBROMATOSIS, TYPE I, SOMATIC. Identifiers: Orphanet 636, MedGen C0027831, MONDO:0018975, OMIM 162200. Disease mechanism: loss of function.
Cardiovascular phenotype. Identifiers: MedGen CN230736.
Hereditary cancer-predisposing syndrome. Also called: Neoplastic Syndromes, Hereditary; Hereditary Cancer Syndrome; Hereditary neoplastic syndrome; Tumor predisposition. Identifiers: Orphanet 140162, MedGen C0027672, MeSH D009386, MONDO:0015356.

Submissions (5):

Labcorp Genetics (formerly Invitae), Labcorp
Classification: Pathogenic for Neurofibromatosis, type 1. Last evaluated: 2025-11-21. Review status: criteria provided, single submitter. Criteria: Invitae Variant Classification Sherloc (09022015). Collection method: clinical testing. Allele origin: germline.
Comment: This sequence change creates a premature translational stop signal (p.Trp1314*) in the NF1 gene. It is expected to result in an absent or disrupted protein product. Loss-of-function variants in NF1 are known to be pathogenic (PMID: 10712197, 23913538). This variant is not present in population databases (gnomAD no frequency). This premature translational stop signal has been observed in individual(s) with neurofibromatosis type 1 (PMID: 9003501, 22190595, 23404336). Invitae Evidence Modeling of clinical and family history, age, sex, and reported ancestry of multiple individuals with this NF1 variant has been performed. This variant is expected to be pathogenic with a positive predictive value of at least 99%. This is a validated machine learning model that incorporates the clinical features of 1,785,918 individuals referred to our laboratory for NF1 testing. ClinVar contains an entry for this variant (Variation ID: 849712). For these reasons, this variant has been classified as Pathogenic.

GeneDx
Classification: Pathogenic. Last evaluated: 2022-06-08. Review status: criteria provided, single submitter. Criteria: GeneDx Variant Classification Process June 2021. Collection method: clinical testing. Allele origin: germline. Affected: yes.
Comment: Nonsense variant predicted to result in protein truncation or nonsense mediated decay in a gene for which loss of function is a known mechanism of disease; Not observed at significant frequency in large population cohorts (gnomAD); This variant is associated with the following publications: (PMID: 25525159, 9003501, 10712197, 23913538, 33000474, MehtaA2019[abstract], 23404336, 31766501, 22190595)

Genome-Nilou Lab
Classification: Pathogenic for Neurofibromatosis, type 1. Last evaluated: 2022-03-15. Review status: criteria provided, single submitter. Criteria: ACMG Guidelines, 2015. Collection method: clinical testing. Allele origin: germline. Affected: no.

Sema4
Classification: Likely pathogenic for Hereditary cancer-predisposing syndrome. Last evaluated: 2021-08-16. Review status: criteria provided, single submitter. Criteria: Sema4 Curation Guidelines. Collection method: curation. Allele origin: germline.
Comment: The NF1 c.3942G>A (p.W1314X) variant has been reported in heterozygosity in at least two individuals with clinically diagnosed neurofibromatosis type 1 (PMID: 9003501, 23404336). This nonsense variant creates a premature stop codon at residue 1314 of the NF1 protein. At this location, this is predicted to cause nonsense-mediated decay and result in an absent protein (loss of function). Loss of function variants in NF1 are known to be pathogenic (PMID: 10712197). It was not observed in the Genome Aggregation Database. The variant has been reported in ClinVar (Variation ID 849712). Based on the current evidence available, this variant is interpreted as likely pathogenic.

Ambry Genetics
Classification: Pathogenic for Cardiovascular phenotype; Hereditary cancer-predisposing syndrome. Last evaluated: 2019-10-14. Review status: criteria provided, single submitter. Criteria: Ambry Variant Classification Scheme 2023. Collection method: clinical testing. Allele origin: germline.
Comment: The p.W1314* pathogenic mutation (also known as c.3942G>A), located in coding exon 29 of the NF1 gene, results from a G to A substitution at nucleotide position 3942. This changes the amino acid from a tryptophan to a stop codon within coding exon 29. This mutation has been detected in multiple patients with a clinical diagnosis of Neurofibromatosis Type 1 (NF1) (Upadhyaya M et al. Hum. Genet., 1997 Jan;99:88-92; Violante IR et al. Brain, 2013 Mar;136:918-25). In addition to the clinical data presented in the literature, this alteration is expected to result in loss of function by premature protein truncation or nonsense-mediated mRNA decay. As such, this alteration is interpreted as a disease-causing mutation.

Literature cited by the submitters: PubMed 10712197 (cited by Labcorp Genetics (formerly Invitae), Labcorp and Sema4); PubMed 23913538 (cited by Labcorp Genetics (formerly Invitae), Labcorp); PubMed 9003501 (cited by Labcorp Genetics (formerly Invitae), Labcorp and Sema4); PubMed 22190595 (cited by Labcorp Genetics (formerly Invitae), Labcorp); PubMed 23404336 (cited by Labcorp Genetics (formerly Invitae), Labcorp and Sema4).

NM_001042492.3(NF1):c.3942G>A (p.Trp1314Ter)

Gene: NF1 (neurofibromin 1; plus strand). Cytogenetic location: 17q11.2.
Variant type: single nucleotide variant.
Coding change: c.3942G>A on transcript NM_001042492.3 (MANE Select); coding-DNA position 3942, G replaced by A.
Protein change: p.Trp1314Ter; replaces tryptophan 1314 with a stop codon.
Molecular consequence: nonsense.
Genome position (GRCh38, 1-based): chr17:31,235,989, G>A. VCF-style: chr17-31235989-G-A. GRCh37 (hg19) VCF-style: chr17-29563007-G-A.
Other names: c.3942G>A, p.Trp1314Ter (NM_000267.4); short protein forms W1314*.
Identifiers: ClinVar variation 849712 (VCV000849712.12), dbSNP rs2067194816, ClinGen allele CA398993229.